The following is an entry in ClinVar:

ClinVar aggregate classification (germline): Uncertain significance (1 of 4 stars; one submission).

Conditions:
Episodic ataxia type 1 (EA1). Also called: PAROXYSMAL ATAXIA WITH NEUROMYOTONIA, HEREDITARY; MYOKYMIA WITH PERIODIC ATAXIA; Episodic ataxia/myokymia syndrome; ATAXIA, EPISODIC, WITH MYOKYMIA. Identifiers: Orphanet 37612, Orphanet 972, MedGen C1719788, MONDO:0008047, OMIM 160120.

Submission:

Labcorp Genetics (formerly Invitae), Labcorp
Classification: Uncertain significance for Episodic ataxia type 1. Last evaluated: 2023-08-27. Review status: criteria provided, single submitter. Criteria: Invitae Variant Classification Sherloc (09022015). Collection method: clinical testing. Allele origin: germline.
Comment: In summary, the available evidence is currently insufficient to determine the role of this variant in disease. Therefore, it has been classified as a Variant of Uncertain Significance. Advanced modeling of protein sequence and biophysical properties (such as structural, functional, and spatial information, amino acid conservation, physicochemical variation, residue mobility, and thermodynamic stability) performed at Invitae indicates that this missense variant is not expected to disrupt KCNA1 protein function. This variant has not been reported in the literature in individuals affected with KCNA1-related conditions. This variant is not present in population databases (gnomAD no frequency). This sequence change replaces valine, which is neutral and non-polar, with alanine, which is neutral and non-polar, at codon 153 of the KCNA1 protein (p.Val153Ala).

NM_000217.3(KCNA1):c.458T>C (p.Val153Ala)

Gene: KCNA1 (potassium voltage-gated channel subfamily A member 1; plus strand). Cytogenetic location: 12p13.32.
Variant type: single nucleotide variant.
Coding change: c.458T>C on transcript NM_000217.3 (MANE Select); coding-DNA position 458, T replaced by C.
Protein change: p.Val153Ala; replaces valine 153 with alanine.
Molecular consequence: missense variant.
Genome position (GRCh38, 1-based): chr12:4,911,836, T>C. VCF-style: chr12-4911836-T-C. GRCh37 (hg19) VCF-style: chr12-5021002-T-C.
Other names: short protein forms V153A.
Identifiers: ClinVar variation 2755451 (VCV002755451.3), dbSNP rs2497352369, ClinGen allele CA383454612.
Genomic context (GRCh38, chr12:4,911,836, plus strand): 5'-ACGAGGGCTTCATCAAGGAGGAGGAGCGCCCTCTGCCCGAGAAGGAGTACCAGCGCCAGG[T>C]GTGGCTGCTCTTCGAGTACCCCGAGAGCTCGGGGCCCGCCAGGGTCATCGCCATCGTCTC-3'
Protein context (NP_000208.2, residues 143-163): PLPEKEYQRQ[Val153Ala]WLLFEYPESS